The following is an entry in ClinVar:

ClinVar aggregate classification (germline): Uncertain significance (1 of 4 stars; one submission).

Submission:

Ambry Genetics
Classification: Uncertain significance. Last evaluated: 2025-10-02. Review status: criteria provided, single submitter. Criteria: Ambry Variant Classification Scheme 2023. Collection method: clinical testing. Allele origin: germline.
Comment: The p.T1196S variant (also known as c.3586A>T), located in coding exon 13 of the CDK12 gene, results from an A to T substitution at nucleotide position 3586. The threonine at codon 1196 is replaced by serine, an amino acid with similar properties. This amino acid position is conserved. In addition, this alteration is predicted to be tolerated by in silico analysis. Based on the available evidence, the clinical significance of this variant remains unclear.

NM_016507.4(CDK12):c.3586A>T (p.Thr1196Ser)

Gene: CDK12 (cyclin dependent kinase 12; plus strand). Cytogenetic location: 17q12.
Variant type: single nucleotide variant.
Coding change: c.3586A>T on transcript NM_016507.4 (MANE Select); coding-DNA position 3586, A replaced by T.
Protein change: p.Thr1196Ser; replaces threonine 1196 with serine.
Molecular consequence: missense variant.
Genome position (GRCh38, 1-based): chr17:39,526,142, A>T. VCF-style: chr17-39526142-A-T. GRCh37 (hg19) VCF-style: chr17-37682395-A-T.
Other names: c.3586A>T, p.Thr1196Ser (NM_015083.4); short protein forms T1196S.
Identifiers: ClinVar variation 4651350 (VCV004651350.1).